The following is an entry in ClinVar:

NM_001130987.2(DYSF):c.6140_6141del (p.Glu2047fs)

Gene: DYSF (dysferlin; plus strand). Cytogenetic location: 2p13.2.
Variant type: Deletion.
Coding change: c.6140_6141del on transcript NM_001130987.2 (MANE Select); coding-DNA positions 6140 to 6141, 2 bases deleted (AG; older notation c.6140_6141delAG).
Protein change: p.Glu2047fs; shifts the reading frame from glutamic acid 2047.
Molecular consequence: frameshift variant.
Genome position (GRCh38, 1-based): chr2:71,681,077-71,681,078, AG deleted; deleting any 2 consecutive bases within chr2:71,681,076-71,681,078 gives the same sequence; the c. name uses the placement nearest the transcript's 3' end. VCF-style (leftmost placement, unchanged base first): chr2-71681075-TGA-T. GRCh37 (hg19) VCF-style: chr2-71908205-TGA-T.
Other names: c.6026_6027del, p.Glu2009fs (NM_001130455.2); c.5981_5982del, p.Glu1994fs (NM_001130976.2); c.6044_6045del, p.Glu2015fs (NM_001130977.2); c.6086_6087del, p.Glu2029fs (NM_001130978.2); c.6116_6117del, p.Glu2039fs (NM_001130979.2); c.6074_6075del, p.Glu2025fs (NM_001130980.2); c.6137_6138del, p.Glu2046fs (NM_001130981.2); c.6119_6120del, p.Glu2040fs (NM_001130982.2); and 5 more; short protein forms E1994fs, E1995fs, E2008fs, E2009fs, E2015fs, E2016fs, E2025fs, E2026fs.
Identifiers: ClinVar variation 1726610 (VCV001726610.3), dbSNP rs2546644050, ClinGen allele CA2580067956.

ClinVar aggregate classification (germline): Likely pathogenic (1 of 4 stars; one submission).

Conditions:
Autosomal recessive limb-girdle muscular dystrophy. Identifiers: Orphanet 102015, MedGen C2931907, MONDO:0015152.

Submission:

Myriad Genetics, Inc.
Classification: Likely pathogenic for Autosomal recessive limb-girdle muscular dystrophy. Last evaluated: 2021-12-27. Review status: criteria provided, single submitter. Criteria: Myriad Autosomal Dominant, Autosomal Recessive and X-Linked Classification Criteria (2023). Collection method: clinical testing. Allele origin: unknown.
Comment: NM_003494.3(DYSF):c.6023_6024delAG(E2008Afs*6) is expected to be pathogenic in the context of dysferlinopathy. This variant is predicted to lead to an abnormal or absent protein product due to the creation of a premature termination codon in DYSF, a gene where loss-of-function variants are known to be pathogenic. Please note: this variant was assessed in the context of healthy population screening.